The following is an entry in ClinVar:

NM_001276270.2(MBD4):c.1677A>G (p.Lys559=)

Gene: MBD4 (methyl-CpG binding domain 4, DNA glycosylase; minus strand). Cytogenetic location: 3q21.3.
Variant type: single nucleotide variant.
Coding change: c.1677A>G on transcript NM_001276270.2 (MANE Select); coding-DNA position 1677, A replaced by G.
Protein change: p.Lys559=; no amino-acid change (lysine 559 retained).
Molecular consequence: synonymous variant. On other transcripts: 3 prime UTR variant (1).
Genome position (GRCh38, 1-based): chr3:129,431,549, T>C on the plus strand (A>G on the coding strand, the complement: MBD4 is on the minus strand). VCF-style: chr3-129431549-T-C. GRCh37 (hg19) VCF-style: chr3-129150392-T-C.
Other names: c.*19A>G (NM_001276272.2); c.741A>G, p.Lys247= (NM_001276273.2); c.1695A>G, p.Lys565= (NM_003925.3).
Identifiers: ClinVar variation 2870365 (VCV002870365.5), dbSNP rs752818326, ClinGen allele CA2605214.

ClinVar aggregate classification (germline): Benign/Likely benign. Review status: criteria provided, multiple submitters, no conflicts (2 of 4 stars). 3 submissions from 3 submitters: Benign (1); Likely benign (2). Last evaluated 2026-06-12.

Conditions:
Inborn genetic diseases. Identifiers: MedGen C0950123, MeSH D030342.
Tumor predisposition syndrome 2 (TPDS2). Also called: MBD4-ASSOCIATED NEOPLASIA SYNDROME; MBD4-Related Tumor Predisposition Syndrome; MBD4-associated neoplasia syndrome (MANS). Identifiers: Orphanet 661526, MedGen C5774186, MONDO:0859267, OMIM 619975.

Allele frequency attached by ClinVar (database versions not stated): gnomAD exomes 0.00001; TOPMed 0.00002; ExAC 0.00004.
gnomAD v4.1: 8 of 1,613,212 alleles (0.0005%); highest among the groups gnomAD compares: Admixed American, 0.013%; no homozygotes.

Submissions (3):

Myriad Genetics, Inc.
Classification: Benign for Tumor predisposition syndrome 2. Last evaluated: 2026-06-12. Review status: criteria provided, single submitter. Criteria: Myriad Autosomal Dominant, Autosomal Recessive and X-Linked Classification Criteria (2023). Collection method: clinical testing. Allele origin: unknown.
Comment: This variant is considered benign. This variant is a silent/synonymous amino acid change and it is not expected to impact splicing.

Labcorp Genetics (formerly Invitae), Labcorp
Classification: Likely benign. Last evaluated: 2025-10-23. Review status: criteria provided, single submitter. Criteria: Invitae Variant Classification Sherloc (09022015). Collection method: clinical testing. Allele origin: germline.

Ambry Genetics
Classification: Likely benign for Inborn genetic diseases. Last evaluated: 2025-03-26. Review status: criteria provided, single submitter. Criteria: Ambry Variant Classification Scheme 2023. Collection method: clinical testing. Allele origin: germline.